The following is an entry in ClinVar:

ClinVar aggregate classification (germline): Benign. Review status: criteria provided, multiple submitters, no conflicts (2 of 4 stars). 3 submissions from 3 submitters: Benign (2). 1 of the submissions does not count toward it. Last evaluated 2018-04-04.

Conditions:
THADA-related disorder. Also called: THADA-related condition.

Allele frequency attached by ClinVar (database versions not stated): gnomAD exomes 0.00016 and 0.00044; 1000 Genomes Project 30x 0.00047; ExAC 0.00056; 1000 Genomes Project 0.00060; gnomAD 0.00175 and 0.00196; TOPMed 0.00218; ESP Exome Variant Server 0.00256.
gnomAD v4.1: 529 of 1,613,642 alleles (0.033%); highest among the groups gnomAD compares: African/African-American, 0.63%; 1 homozygote.

Submissions (3):

Labcorp Genetics (formerly Invitae), Labcorp
Classification: Benign. Last evaluated: 2018-04-04. Review status: criteria provided, single submitter. Criteria: Invitae Variant Classification Sherloc (09022015). Collection method: clinical testing. Allele origin: germline.

Breakthrough Genomics
Classification: Benign. Review status: criteria provided, single submitter. Criteria: ACMG Guidelines, 2015. Collection method: not provided. Allele origin: germline. Inheritance: Unknown mechanism. Affected: yes.

PreventionGenetics, part of Exact Sciences
Classification: Likely benign for THADA-related condition. Last evaluated: 2019-03-18. Review status: no assertion criteria provided. Collection method: clinical testing. Allele origin: germline. Not counted in ClinVar's aggregate classification.
Comment: This variant is classified as likely benign based on ACMG/AMP sequence variant interpretation guidelines (Richards et al. 2015 PMID: 25741868, with internal and published modifications).

NM_022065.5(THADA):c.2919A>G (p.Glu973=)

Gene: THADA (THADA armadillo repeat containing; minus strand). Cytogenetic location: 2p21.
Variant type: single nucleotide variant.
Coding change: c.2919A>G on transcript NM_022065.5 (MANE Select); coding-DNA position 2919, A replaced by G.
Protein change: p.Glu973=; no amino-acid change (glutamic acid 973 retained).
Molecular consequence: synonymous variant. On other transcripts: non-coding transcript variant (2).
Genome position (GRCh38, 1-based): chr2:43,551,817, T>C on the plus strand (A>G on the coding strand, the complement: THADA is on the minus strand). VCF-style: chr2-43551817-T-C. GRCh37 (hg19) VCF-style: chr2-43778956-T-C.
Other names: c.2919A>G, p.Glu973= (NM_001083953.2, NM_001345925.2); c.2916A>G, p.Glu972= (NM_001345923.2); c.2796A>G, p.Glu932= (NM_001345924.2); c.2919A>G (NM_001083953.1).
Identifiers: ClinVar variation 746672 (VCV000746672.6), dbSNP rs374213349, ClinGen allele CA1632799.